The following is an entry in ClinVar:

NM_001040716.2(PC):c.1292C>G (p.Ala431Gly)

Gene: PC (pyruvate carboxylase; minus strand). Cytogenetic location: 11q13.2.
Variant type: single nucleotide variant.
Coding change: c.1292C>G on transcript NM_001040716.2 (MANE Select); coding-DNA position 1292, C replaced by G.
Protein change: p.Ala431Gly; replaces alanine 431 with glycine.
Molecular consequence: missense variant.
Genome position (GRCh38, 1-based): chr11:66,863,850, G>C on the plus strand (C>G on the coding strand, the complement: PC is on the minus strand). VCF-style: chr11-66863850-G-C. GRCh37 (hg19) VCF-style: chr11-66631321-G-C.
Other names: p.A431G:GCC>GGC; c.1292C>G, p.Ala431Gly (NM_000920.4, NM_022172.3); short protein forms A431G.
Identifiers: ClinVar variation 203923 (VCV000203923.4), dbSNP rs796052031, ClinGen allele CA312927.

ClinVar aggregate classification (germline): Uncertain significance. Review status: criteria provided, multiple submitters, no conflicts (2 of 4 stars). 3 submissions from 3 submitters: Uncertain significance (3). Last evaluated 2024-10-25.

Conditions:
Inborn genetic diseases. Identifiers: MedGen C0950123, MeSH D030342.

Allele frequency attached by ClinVar (database versions not stated): gnomAD exomes below 0.00001; TOPMed below 0.00001; gnomAD 0.00001.
gnomAD v4.1: 4 of 1,613,964 alleles (0.00025%); highest among the groups gnomAD compares: Non-Finnish European, 0.00034%; no homozygotes.

Submissions (3):

Ambry Genetics
Classification: Uncertain significance for Inborn genetic diseases. Last evaluated: 2024-10-25. Review status: criteria provided, single submitter. Criteria: Ambry Variant Classification Scheme 2023. Collection method: clinical testing. Allele origin: germline.

Blueprint Genetics
Classification: Uncertain significance. Last evaluated: 2019-02-27. Review status: criteria provided, single submitter. Criteria: ACMG Guidelines, 2015. Collection method: clinical testing. Allele origin: germline.

GeneDx
Classification: Uncertain significance. Last evaluated: 2014-08-07. Review status: criteria provided, single submitter. Criteria: GeneDx Variant Classification (06012015). Collection method: clinical testing. Allele origin: germline. Affected: yes.
Comment: p.Ala431Gly (GCC>GGC): c.1292 C>G in exon 11 of the PC gene (NM_000920.3)A variant of unknown significance has been identified in the PC gene. The A431G variant has not been published as a mutation, nor has it been reported as a benign polymorphism to our knowledge. The A431G variant is a conservative amino acid substitution, which is not likely to impact secondary protein structure as these residues share similar properties. This substitution occurs at a position that is conserved across species. In silico analysis is inconsistent in its predictions as to whether or not the variant is damaging to the protein structure/function. Therefore, based on the currently available information, it is unclear whether this variant is a pathogenic mutation or a rare benign variant. The variant is found in MITONUC-MITOP panel(s).